The following is an entry in ClinVar:

ClinVar aggregate classification (germline): Benign (1 of 4 stars; one submission).

Allele frequency attached by ClinVar (database versions not stated): gnomAD 0.99651 and 0.99680; 1000 Genomes Project 30x 0.99766; 1000 Genomes Project 0.99800; gnomAD exomes 0.99952.

Submission:

GeneDx
Classification: Benign. Last evaluated: 2018-06-14. Review status: criteria provided, single submitter. Criteria: GeneDx Variant Classification (06012015). Collection method: clinical testing. Allele origin: germline. Affected: yes.
Comment: This variant is considered likely benign or benign based on one or more of the following criteria: it is a conservative change, it occurs at a poorly conserved position in the protein, it is predicted to be benign by multiple in silico algorithms, and/or has population frequency not consistent with disease.

NM_001130438.3(SPTAN1):c.6762+251dup

Gene: SPTAN1 (spectrin alpha, non-erythrocytic 1; plus strand). Cytogenetic location: 9q34.11.
Variant type: Duplication.
Coding change: c.6762+251dup on transcript NM_001130438.3 (MANE Select); 251 bases into the intron after coding-DNA position 6762, one base duplicated (T; older notation c.6762+251dupT).
Molecular consequence: intron variant.
Genome position (GRCh38, 1-based): chr9:128,630,626, T duplicated. VCF-style (leftmost placement, unchanged base first): chr9-128630625-G-GT. GRCh37 (hg19) VCF-style: chr9-131392904-G-GT.
Other names: c.6825+251dup (NM_001363759.2); c.6747+251dup (NM_003127.4); c.6702+251dup (NM_001363765.2); c.6687+251dup (NM_001195532.2).
Identifiers: ClinVar variation 680795 (VCV000680795.1), dbSNP rs11442134, ClinGen allele CA200410809.
Genomic context (GRCh38, chr9:128,630,625, plus strand): 5'-TCTCGCCCAGGCTGGAGTGCAGTGGTGCGATATTGGCTCACTGCAACCTCCACCTCCCAG[G>GT]TCAAGCAATTCTCCTGCCTCAGCCTCCCAAATAGCTGTACTACAGATGTGTGCCACCACA-3'